The following is an entry in ClinVar:

ClinVar aggregate classification (germline): Pathogenic/Likely pathogenic. Review status: criteria provided, multiple submitters, no conflicts (2 of 4 stars). 2 submissions from 2 submitters: Pathogenic (1); Likely pathogenic (1). Last evaluated 2023-05-16.

Conditions:
Hyperinsulinemic hypoglycemia, familial, 1 (HHF1). Also called: Persistent hyperinsulinemic hypoglycemia of infancy; HYPERINSULINISM, FAMILIAL, WITH PANCREATIC NESIDIOBLASTOSIS; HYPOGLYCEMIA, HYPERINSULINEMIC, OF INFANCY; NESIDIOBLASTOSIS OF PANCREAS; Persistent Hyperinsulinemia Hypoglycemia of Infancy. Identifiers: Orphanet 276575, Orphanet 276598, MedGen C2931832, MONDO:0009734, OMIM 256450.
Type 2 diabetes mellitus. Also called: Type II diabetes mellitus. Identifiers: MedGen C0011860, MeSH D003924, MONDO:0005148, OMIM 125853, HP:0005978.

Submissions (2):

Baylor Genetics
Classification: Likely pathogenic for Type 2 diabetes mellitus. Last evaluated: 2023-05-16. Review status: criteria provided, single submitter. Criteria: ACMG Guidelines, 2015. Collection method: clinical testing. Allele origin: unknown.

Breakthrough Genomics
Classification: Pathogenic for Hyperinsulinemic hypoglycemia, familial, 1. Last evaluated: 2021-10-01. Review status: criteria provided, single submitter. Criteria: ACMG Guidelines, 2015. Collection method: clinical testing. Allele origin: germline. Affected: yes.
Comment: This variant seems to be a novel variant, as it has not been previously reported in population databases or in the literature. However, several other nonsense variants such lying downstream of the identified variant, have been previously reported as pathogenic in the ClinVar database context of familial hyperinsulinemic hypoglycemia 1 and familial hyperinsulinism. Loss-of-function variants in the ABCC8 gene are known to be pathogenic [PMID: 20685672, 23345197].

NM_000352.6(ABCC8):c.2497C>T (p.Gln833Ter)

Gene: ABCC8 (ATP binding cassette subfamily C member 8; minus strand). Cytogenetic location: 11p15.1.
Variant type: single nucleotide variant.
Coding change: c.2497C>T on transcript NM_000352.6 (MANE Select); coding-DNA position 2497, C replaced by T.
Protein change: p.Gln833Ter; replaces glutamine 833 with a stop codon.
Molecular consequence: nonsense. On other transcripts: non-coding transcript variant (1).
Genome position (GRCh38, 1-based): chr11:17,412,725, G>A on the plus strand (C>T on the coding strand, the complement: ABCC8 is on the minus strand). VCF-style: chr11-17412725-G-A. GRCh37 (hg19) VCF-style: chr11-17434272-G-A.
Other names: p.Gln833Ter; c.2500C>T, p.Gln834Ter (NM_001287174.3); c.2563C>T, p.Gln855Ter (NM_001351295.2); c.2497C>T, p.Gln833Ter (NM_001351296.2); c.2494C>T, p.Gln832Ter (NM_001351297.2); c.2497C>T (NM_000352.5); short protein forms Q832*, Q833*, Q834*, Q855*.
Identifiers: ClinVar variation 2677454 (VCV002677454.3), dbSNP rs2496572258, ClinGen allele CA379807620.